The following is an entry in ClinVar:

NM_001130009.3(GEN1):c.1313C>G (p.Thr438Arg)

Gene: GEN1 (GEN1 structure-specific endonuclease; plus strand). Cytogenetic location: 2p24.2.
Variant type: single nucleotide variant.
Coding change: c.1313C>G on transcript NM_001130009.3 (MANE Select); coding-DNA position 1313, C replaced by G.
Protein change: p.Thr438Arg; replaces threonine 438 with arginine.
Molecular consequence: missense variant.
Genome position (GRCh38, 1-based): chr2:17,780,026, C>G. VCF-style: chr2-17780026-C-G. GRCh37 (hg19) VCF-style: chr2-17961293-C-G.
Other names: c.1313C>G (NM_001130009.1); c.1313C>G, p.Thr438Arg (NM_182625.5); short protein forms T438R.
Identifiers: ClinVar variation 3656689 (VCV003656689.3).
Genomic context (GRCh38, chr2:17,780,026, plus strand): 5'-TTAATCTTTTAGAACATTATGCTATGGAAGATAAACAACATGGAGAATTTGCTTTATTAA[C>G]AATTGAGGAAGAATCATTGTTTGAAGCAGCATATCCTGAGATCGTTGCTGTTTACCAAAA-3'
Protein context (NP_001123481.3, residues 428-448): DKQHGEFALL[Thr438Arg]IEEESLFEAA

ClinVar aggregate classification (germline): Uncertain significance. Review status: criteria provided, multiple submitters, no conflicts (2 of 4 stars). 2 submissions from 2 submitters: Uncertain significance (2). Last evaluated 2026-01-20.

Submissions (2):

Labcorp Genetics (formerly Invitae), Labcorp
Classification: Uncertain significance. Last evaluated: 2026-01-20. Review status: criteria provided, single submitter. Criteria: Invitae Variant Classification Sherloc (09022015). Collection method: clinical testing. Allele origin: germline.
Comment: This sequence change replaces threonine, which is neutral and polar, with arginine, which is basic and polar, at codon 438 of the GEN1 protein (p.Thr438Arg). This variant is not present in population databases (gnomAD no frequency). This variant has not been reported in the literature in individuals affected with GEN1-related conditions. ClinVar contains an entry for this variant (Variation ID: 3656689). An algorithm developed to predict the effect of missense changes on protein structure and function (PolyPhen-2) suggests that this variant is likely to be disruptive. In summary, the available evidence is currently insufficient to determine the role of this variant in disease. Therefore, it has been classified as a Variant of Uncertain Significance.

Ambry Genetics
Classification: Uncertain significance. Last evaluated: 2025-03-20. Review status: criteria provided, single submitter. Criteria: Ambry Variant Classification Scheme 2023. Collection method: clinical testing. Allele origin: germline.
Comment: The p.T438R variant (also known as c.1313C>G), located in coding exon 12 of the GEN1 gene, results from a C to G substitution at nucleotide position 1313. The threonine at codon 438 is replaced by arginine, an amino acid with similar properties. This amino acid position is conserved. In addition, this alteration is predicted to be deleterious by in silico analysis. Based on the available evidence, the clinical significance of this variant remains unclear.